The following is an entry in ClinVar:

NM_000059.4(BRCA2):c.1253C>A (p.Ser418Ter)

Gene: BRCA2 (BRCA2 DNA repair associated; plus strand). Cytogenetic location: 13q13.1.
Variant type: single nucleotide variant.
Coding change: c.1253C>A on transcript NM_000059.4 (MANE Select); coding-DNA position 1253, C replaced by A.
Protein change: p.Ser418Ter; replaces serine 418 with a stop codon.
Molecular consequence: nonsense.
Genome position (GRCh38, 1-based): chr13:32,332,731, C>A. VCF-style: chr13-32332731-C-A. GRCh37 (hg19) VCF-style: chr13-32906868-C-A.
Other names: 1481C>A; short protein forms S418*.
Identifiers: ClinVar variation 37732 (VCV000037732.5), dbSNP rs397507266, ClinGen allele CA011334.

ClinVar aggregate classification (germline): Pathogenic. Review status: reviewed by expert panel (3 of 4 stars). 4 submissions from 4 submitters: Pathogenic (1). 3 of the submissions do not count toward it. Last evaluated 2016-09-08.

Conditions:
Hereditary cancer-predisposing syndrome. Also called: Tumor predisposition; Neoplastic Syndromes, Hereditary; Hereditary neoplastic syndrome; Hereditary Cancer Syndrome. Identifiers: Orphanet 140162, MedGen C0027672, MeSH D009386, MONDO:0015356.
Breast-ovarian cancer, familial, susceptibility to, 2 (BROVCA2). Also called: BRCA2 Hereditary Breast and Ovarian Cancer. Identifiers: Orphanet 145, MedGen C2675520, MONDO:0012933, OMIM 612555. Disease mechanism: loss of function.

Submissions (4):

Evidence-based Network for the Interpretation of Germline Mutant Alleles (ENIGMA)
Classification: Pathogenic for Breast-ovarian cancer, familial, susceptibility to, 2. Last evaluated: 2016-09-08. Review status: reviewed by expert panel. Criteria: ENIGMA BRCA1/2 Classification Criteria (2015). Collection method: curation. Allele origin: germline.
Comment: Variant allele predicted to encode a truncated non-functional protein.

Ambry Genetics
Classification: Pathogenic for Hereditary cancer-predisposing syndrome. Last evaluated: 2022-03-17. Review status: criteria provided, single submitter. Criteria: Ambry Variant Classification Scheme 2023. Collection method: clinical testing. Allele origin: germline. Not counted in ClinVar's aggregate classification.
Comment: The p.S418* pathogenic mutation (also known as c.1253C>A), located in coding exon 9 of the BRCA2 gene, results from a C to A substitution at nucleotide position 1253. This changes the amino acid from a serine to a stop codon within coding exon 9. This alteration was identified in a large, worldwide study of BRCA1/2 mutation positive families (Rebbeck TR et al. Hum Mutat, 2018 05;39:593-620). This variant is considered to be rare based on population cohorts in the Genome Aggregation Database (gnomAD). In addition to the clinical data presented in the literature, this alteration is expected to result in loss of function by premature protein truncation or nonsense-mediated mRNA decay. As such, this alteration is interpreted as a disease-causing mutation.

Consortium of Investigators of Modifiers of BRCA1/2 (CIMBA), c/o University of Cambridge
Classification: Pathogenic for Breast-ovarian cancer, familial, susceptibility to, 2. Last evaluated: 2015-10-02. Review status: criteria provided, single submitter. Criteria: CIMBA Mutation Classification guidelines May 2016. Collection method: clinical testing. Allele origin: germline. Not counted in ClinVar's aggregate classification.

Sharing Clinical Reports Project (SCRP)
Classification: Pathogenic for Breast-ovarian cancer, familial 2. Last evaluated: 2011-08-06. Review status: no assertion criteria provided. Collection method: clinical testing. Allele origin: germline. Not counted in ClinVar's aggregate classification.

Literature cited by the submitters: PubMed 29446198 (cited by Ambry Genetics).